The following is an entry in ClinVar:

NM_001365276.2(TNXB):c.374G>A (p.Cys125Tyr)

Gene: TNXB (tenascin XB; minus strand). Cytogenetic location: 6p21.33.
Variant type: single nucleotide variant.
Coding change: c.374G>A on transcript NM_001365276.2 (MANE Select); coding-DNA position 374, G replaced by A.
Protein change: p.Cys125Tyr; replaces cysteine 125 with tyrosine.
Molecular consequence: missense variant.
Genome position (GRCh38, 1-based): chr6:32,097,825, C>T on the plus strand (G>A on the coding strand, the complement: TNXB is on the minus strand). VCF-style: chr6-32097825-C-T. GRCh37 (hg19) VCF-style: chr6-32065602-C-T.
Other names: c.374G>A, p.Cys125Tyr (NM_001428335.1, NM_019105.8); short protein forms C125Y.
Identifiers: ClinVar variation 3809309 (VCV003809309.1).
Genomic context (GRCh38, chr6:32,097,825, plus strand): 5'-TCTCCACCCTCTTCTGTGATCACCTGCTCACCTGTGCCAGCTTGGGCAGAGGCAGGACAA[C>T]ATCCCCCAGTGCACTGTTCCTTGAGCCCCTTCACCAACTCCTCCAGGATCTCTAGACGGA-3'
Protein context (NP_001352205.1, residues 115-135): KGLKEQCTGG[Cys125Tyr]CPASAQAGTG

ClinVar aggregate classification (germline): Uncertain significance (1 of 4 stars; one submission).

Conditions:
Cardiovascular phenotype. Identifiers: MedGen CN230736.

gnomAD v4.1: 11 of 1,510,080 alleles (0.00073%); highest among the groups gnomAD compares: Non-Finnish European, 0.00089%; no homozygotes.

Submission:

Ambry Genetics
Classification: Uncertain significance for Cardiovascular phenotype. Last evaluated: 2024-12-13. Review status: criteria provided, single submitter. Criteria: Ambry Variant Classification Scheme 2023. Collection method: clinical testing. Allele origin: germline.
Comment: The p.C125Y variant (also known as c.374G>A), located in coding exon 1 of the TNXB gene, results from a G to A substitution at nucleotide position 374. The cysteine at codon 125 is replaced by tyrosine, an amino acid with highly dissimilar properties. This amino acid position is highly conserved in available vertebrate species. In addition, the in silico prediction for this alteration is inconclusive. Based on the available evidence, the clinical significance of this variant remains unclear.